The following is an entry in ClinVar:

NM_001177316.2(SLC34A3):c.1216G>A (p.Gly406Arg)

Gene: SLC34A3 (solute carrier family 34 member 3; plus strand). Cytogenetic location: 9q34.3.
Variant type: single nucleotide variant.
Coding change: c.1216G>A on transcript NM_001177316.2 (MANE Select); coding-DNA position 1216, G replaced by A.
Protein change: p.Gly406Arg; replaces glycine 406 with arginine.
Molecular consequence: missense variant.
Genome position (GRCh38, 1-based): chr9:137,234,612, G>A. VCF-style: chr9-137234612-G-A. GRCh37 (hg19) VCF-style: chr9-140129064-G-A.
Other names: c.1216G>A, p.Gly406Arg (NM_001177317.2, NM_080877.3); c.1216G>A (NM_080877.2); short protein forms G406R.
Identifiers: ClinVar variation 1983457 (VCV001983457.3), dbSNP rs762391265, ClinGen allele CA5364867.

ClinVar aggregate classification (germline): Uncertain significance. Review status: criteria provided, multiple submitters, no conflicts (2 of 4 stars). 3 submissions from 3 submitters: Uncertain significance (3). Last evaluated 2025-07-07.

Conditions:
Autosomal recessive hypophosphatemic bone disease (HHRH). Also called: HYPERCALCIURIC RICKETS; Hypophosphatemic rickets with hypercalciuria. Identifiers: Orphanet 157215, MedGen C1853271, MONDO:0009431, OMIM 241530.

Allele frequency attached by ClinVar (database versions not stated): gnomAD 0.00001; TOPMed 0.00001; gnomAD exomes 0.00003; ExAC 0.00006.
gnomAD v4.1: 48 of 1,612,240 alleles (0.003%); highest among the groups gnomAD compares: South Asian, 0.031%; no homozygotes.

Submissions (3):

Women's Health and Genetics/Laboratory Corporation of America, LabCorp
Classification: Uncertain significance. Last evaluated: 2025-07-07. Review status: criteria provided, single submitter. Criteria: LabCorp Variant Classification Summary - May 2015. Collection method: clinical testing. Allele origin: germline.
Comment: Variant summary: SLC34A3 c.1216G>A (p.Gly406Arg) results in a non-conservative amino acid change in the encoded protein sequence. Algorithms developed to predict the effect of missense changes on protein structure and function are either unavailable or do not agree on the potential impact of this missense change. The variant allele was found at a frequency of 4.8e-05 in 247936 control chromosomes. This frequency is not significantly higher than estimated for a pathogenic variant in SLC34A3 causing Hereditary Hypophosphatemic Rickets With Hypercalciuria (4.8e-05 vs 0.0018), allowing no conclusion about variant significance. To our knowledge, no occurrence of c.1216G>A in individuals affected with Hereditary Hypophosphatemic Rickets With Hypercalciuria and no experimental evidence demonstrating its impact on protein function have been reported. ClinVar contains an entry for this variant (Variation ID: 1983457). Based on the evidence outlined above, the variant was classified as uncertain significance.

Fulgent Genetics
Classification: Uncertain significance for Autosomal recessive hypophosphatemic bone disease. Last evaluated: 2024-06-03. Review status: criteria provided, single submitter. Criteria: ACMG Guidelines, 2015. Collection method: clinical testing. Allele origin: germline.

Labcorp Genetics (formerly Invitae), Labcorp
Classification: Uncertain significance. Last evaluated: 2022-08-16. Review status: criteria provided, single submitter. Criteria: Invitae Variant Classification Sherloc (09022015). Collection method: clinical testing. Allele origin: germline.
Comment: This sequence change replaces glycine, which is neutral and non-polar, with arginine, which is basic and polar, at codon 406 of the SLC34A3 protein (p.Gly406Arg). This variant is present in population databases (rs762391265, gnomAD 0.03%). This variant has not been reported in the literature in individuals affected with SLC34A3-related conditions. Algorithms developed to predict the effect of missense changes on protein structure and function output the following: SIFT: "Deleterious"; PolyPhen-2: "Probably Damaging"; Align-GVGD: "Class C65". The arginine amino acid residue is found in multiple mammalian species, which suggests that this missense change does not adversely affect protein function. Algorithms developed to predict the effect of sequence changes on RNA splicing suggest that this variant may disrupt the consensus splice site. In summary, the available evidence is currently insufficient to determine the role of this variant in disease. Therefore, it has been classified as a Variant of Uncertain Significance.